The following is an entry in ClinVar:

NM_001378615.1(CC2D2A):c.676G>A (p.Glu226Lys)

Genes: FBXL5 (F-box and leucine rich repeat protein 5; minus strand), CC2D2A (coiled-coil and C2 domain containing 2A; plus strand). Cytogenetic location: 4p15.32.
Variant type: single nucleotide variant.
Coding change: c.676G>A on transcript NM_001378615.1 (MANE Select); coding-DNA position 676, G replaced by A.
Protein change: p.Glu226Lys; replaces glutamic acid 226 with lysine.
Molecular consequence: missense variant.
Genome position (GRCh38, 1-based): chr4:15,511,382, G>A. VCF-style: chr4-15511382-G-A. GRCh37 (hg19) VCF-style: chr4-15513005-G-A.
Other names: c.676G>A, p.Glu226Lys (NM_001080522.2); c.529G>A, p.Glu177Lys (NM_001378617.1); short protein forms E177K, E226K.
Identifiers: ClinVar variation 1341717 (VCV001341717.7), dbSNP rs1716561509, ClinGen allele CA356409014.

ClinVar aggregate classification (germline): Uncertain significance. Review status: criteria provided, multiple submitters, no conflicts (2 of 4 stars). 2 submissions from 2 submitters: Uncertain significance (2). Last evaluated 2021-08-31.

Conditions:
Joubert syndrome. Also called: JOUBERT-BOLTSHAUSER SYNDROME; Familial aplasia of the vermis. Identifiers: Orphanet 475, MedGen C5979921, MONDO:0018772.
Meckel-Gruber syndrome. Also called: DYSENCEPHALIA SPLANCHNOCYSTICA; GRUBER SYNDROME; Dysencephalia splachnocystica. Identifiers: Orphanet 564, MedGen C0265215, MONDO:0018921.
Joubert syndrome 9 (JBTS9). Identifiers: Orphanet 2318, MedGen C2676788, MONDO:0012849, OMIM 612285.
COACH syndrome 1. Identifiers: Orphanet 1454, MedGen C5435651, MONDO:0800103, OMIM 216360, MONDO:0008996.
Meckel syndrome, type 6. Identifiers: Orphanet 564, MedGen C2676790, MONDO:0012848, OMIM 612284.

Allele frequency attached by ClinVar (database versions not stated): gnomAD exomes below 0.00001; TOPMed below 0.00001.
gnomAD v4.1: 5 of 1,337,052 alleles (0.00037%); highest among the groups gnomAD compares: South Asian, 0.003%; no homozygotes.

Submissions (2):

Labcorp Genetics (formerly Invitae), Labcorp
Classification: Uncertain significance for Joubert syndrome; Meckel-Gruber syndrome. Last evaluated: 2021-08-31. Review status: criteria provided, single submitter. Criteria: Invitae Variant Classification Sherloc (09022015). Collection method: clinical testing. Allele origin: germline.
Comment: This sequence change replaces glutamic acid with lysine at codon 226 of the CC2D2A protein (p.Glu226Lys). The glutamic acid residue is moderately conserved and there is a small physicochemical difference between glutamic acid and lysine. This variant is not present in population databases (ExAC no frequency). This variant has not been reported in the literature in individuals affected with CC2D2A-related conditions. Advanced modeling of protein sequence and biophysical properties (such as structural, functional, and spatial information, amino acid conservation, physicochemical variation, residue mobility, and thermodynamic stability) performed at Invitae indicates that this missense variant is not expected to disrupt CC2D2A protein function. In summary, the available evidence is currently insufficient to determine the role of this variant in disease. Therefore, it has been classified as a Variant of Uncertain Significance.

New York Genome Center
Classification: Uncertain significance for COACH syndrome 1; Joubert syndrome 9; Meckel syndrome, type 6. Last evaluated: 2020-06-12. Review status: criteria provided, single submitter. Criteria: NYGC Assertion Criteria 2020. Collection method: clinical testing. Allele origin: germline. Observed: 1 heterozygote. Study: CSER-NYCKidSeq.